The following is an entry in ClinVar:

ClinVar aggregate classification (germline): Benign/Likely benign. Review status: criteria provided, multiple submitters, no conflicts (2 of 4 stars). 7 submissions from 7 submitters: Benign (4); Likely benign (2). 1 of the submissions does not count toward it. Last evaluated 2026-09-01.

Conditions:
Xeroderma pigmentosum, group G (XPG). Also called: XERODERMA PIGMENTOSUM VII; XP, GROUP G; ERCC5-Related Xeroderma Pigmentosum; Xeroderma pigmentosum type 7. Identifiers: MedGen C0268141, MONDO:0010216, OMIM 278780.

Allele frequency attached by ClinVar (database versions not stated): 1000 Genomes Project 0.00619; 1000 Genomes Project 30x 0.00640; gnomAD 0.00931 and 0.00932; ExAC 0.00952; TOPMed 0.00960; ESP Exome Variant Server 0.00976; gnomAD exomes 0.00986 and 0.01182.
gnomAD v4.1: 18,657 of 1,614,120 alleles (1.2%); highest among the groups gnomAD compares: Middle Eastern, 1.8%; 131 homozygotes.

Submissions (7):

CeGaT Center for Human Genetics Tuebingen
Classification: Benign. Last evaluated: 2026-09-01. Review status: criteria provided, single submitter. Criteria: CeGaT Center For Human Genetics Tuebingen Variant Classification Criteria Version 2. Collection method: clinical testing. Allele origin: germline. Affected: yes. Observed: 128 variant alleles.
Comment: ERCC5: BP4, BP7, BS1, BS2

Labcorp Genetics (formerly Invitae), Labcorp
Classification: Benign. Last evaluated: 2026-02-04. Review status: criteria provided, single submitter. Criteria: Invitae Variant Classification Sherloc (09022015). Collection method: clinical testing. Allele origin: germline.

GeneDx
Classification: Benign. Last evaluated: 2020-03-03. Review status: criteria provided, single submitter. Criteria: GeneDx Variant Classification Process June 2021. Collection method: clinical testing. Allele origin: germline. Affected: yes.

Illumina Laboratory Services, Illumina
Classification: Benign for Xeroderma pigmentosum, group G. Last evaluated: 2018-01-13. Review status: criteria provided, single submitter. Criteria: ICSL Variant Classification Criteria 13 December 2019. Collection method: clinical testing. Allele origin: germline.
Comment: This variant was observed in the ICSL laboratory as part of a predisposition screen in an ostensibly healthy population. It had not been previously curated by ICSL or reported in the Human Gene Mutation Database (HGMD: prior to June 1st, 2018), and was therefore a candidate for classification through an automated scoring system. Utilizing variant allele frequency, disease prevalence and penetrance estimates, and inheritance mode, an automated score was calculated to assess if this variant is too frequent to cause the disease. Based on the score and internal cut-off values, a variant classified as benign is not then subjected to further curation. The score for this variant resulted in a classification of benign for this disease.

Clinical Genetics DNA and cytogenetics Diagnostics Lab, Erasmus MC, Erasmus Medical Center
Classification: Likely benign for Xeroderma pigmentosum, group G. Last evaluated: 2015-09-21. Review status: criteria provided, single submitter. Criteria: ACGS Guidelines, 2013. Collection method: clinical testing. Allele origin: germline. Affected: yes. Study: VKGL Data-share Consensus.

Breakthrough Genomics
Classification: Likely benign. Review status: criteria provided, single submitter. Criteria: ACMG Guidelines, 2015. Collection method: not provided. Allele origin: germline. Inheritance: Autosomal recessive inheritance. Affected: yes.

Genome Diagnostics Laboratory, Amsterdam University Medical Center
Classification: Benign for Xeroderma pigmentosum, group G. Last evaluated: 2015-08-07. Review status: no assertion criteria provided. Criteria: ACGS Guidelines, 2013. Collection method: clinical testing. Allele origin: germline. Affected: yes. Study: VKGL Data-share Consensus. Not counted in ClinVar's aggregate classification.

NM_000123.4(ERCC5):c.960C>T (p.Asp320=)

Genes: BIVM-ERCC5 (BIVM-ERCC5 readthrough; plus strand), ERCC5 (ERCC excision repair 5, endonuclease; plus strand). Cytogenetic location: 13q33.1.
Variant type: single nucleotide variant.
Coding change: c.960C>T on transcript NM_000123.4 (MANE Select); coding-DNA position 960, C replaced by T.
Protein change: p.Asp320=; no amino-acid change (aspartic acid 320 retained).
Molecular consequence: synonymous variant.
Genome position (GRCh38, 1-based): chr13:102,862,109, C>T. VCF-style: chr13-102862109-C-T. GRCh37 (hg19) VCF-style: chr13-103514459-C-T.
Other names: c.2322C>T, p.Asp774= (NM_001204425.2).
Identifiers: ClinVar variation 522357 (VCV000522357.42), dbSNP rs4150314, ClinGen allele CA7041319.
Genomic context (GRCh38, chr13:102,862,109, plus strand): 5'-TGCAGAAGTGGATTCAGAGTCTCTTCCTTCTTCCAGCAAAATGCACGGCATGTCTTTTGA[C>T]GTGAAGTCATCTCCATGTGAAAAACTGAAGACAGAGAAAGAGCCTGATGCTACCCCTCCT-3'
Protein context (NP_000114.3, residues 310-330): SSSKMHGMSF[Asp320=]VKSSPCEKLK